The following is an entry in ClinVar:

NM_017514.5(PLXNA3):c.5570G>C (p.Arg1857Pro)

Gene: PLXNA3 (plexin A3; plus strand). Cytogenetic location: Xq28.
Variant type: single nucleotide variant.
Coding change: c.5570G>C on transcript NM_017514.5 (MANE Select); coding-DNA position 5570, G replaced by C.
Protein change: p.Arg1857Pro; replaces arginine 1857 with proline.
Molecular consequence: missense variant.
Genome position (GRCh38, 1-based): chrX:154,472,639, G>C. VCF-style: chrX-154472639-G-C. GRCh37 (hg19) VCF-style: chrX-153700982-G-C.
Other names: short protein forms R1857P.
Identifiers: ClinVar variation 3349161 (VCV003349161.1).

ClinVar aggregate classification (germline): Uncertain significance (0 of 4 stars; one submission).

Conditions:
PLXNA3-related disorder. Also called: PLXNA3-related condition.

Submission:

PreventionGenetics, part of Exact Sciences
Classification: Uncertain significance for PLXNA3-related condition. Last evaluated: 2023-12-29. Review status: no assertion criteria provided. Collection method: clinical testing. Allele origin: germline.
Comment: The PLXNA3 c.5570G>C variant is predicted to result in the amino acid substitution p.Arg1857Pro. To our knowledge, this variant has not been reported in the literature or in a large population database, indicating this variant is rare. At this time, the clinical significance of this variant is uncertain due to the absence of conclusive functional and genetic evidence.